The following is an entry in ClinVar:

ClinVar aggregate classification (germline): Uncertain significance (1 of 4 stars; one submission).

Conditions:
Hereditary cancer-predisposing syndrome. Also called: Neoplastic Syndromes, Hereditary; Tumor predisposition; Hereditary Cancer Syndrome; Hereditary neoplastic syndrome. Identifiers: Orphanet 140162, MedGen C0027672, MeSH D009386, MONDO:0015356.

Submission:

Ambry Genetics
Classification: Uncertain significance for Hereditary cancer-predisposing syndrome. Last evaluated: 2020-02-25. Review status: criteria provided, single submitter. Criteria: Ambry Variant Classification Scheme 2023. Collection method: clinical testing. Allele origin: germline.
Comment: The p.M211L variant (also known as c.631A>T), located in coding exon 3 of the VHL gene, results from an A to T substitution at nucleotide position 631. The methionine at codon 211 is replaced by leucine, an amino acid with highly similar properties. This amino acid position is poorly conserved in available vertebrate species. In addition, the in silico prediction for this alteration is inconclusive. Since supporting evidence is limited at this time, the clinical significance of this alteration remains unclear.

NM_000551.4(VHL):c.631A>T (p.Met211Leu)

Genes: VHL (von Hippel-Lindau tumor suppressor; plus strand), LOC107303340 (3p25 von Hippel-Lindau tumor suppressor, E3 ubiquitin protein ligase Alu-mediated recombination region; plus strand). Cytogenetic location: 3p25.3.
Variant type: single nucleotide variant.
Coding change: c.631A>T on transcript NM_000551.4 (MANE Select); coding-DNA position 631, A replaced by T.
Protein change: p.Met211Leu; replaces methionine 211 with leucine.
Molecular consequence: missense variant. On other transcripts: 3 prime UTR variant (1).
Genome position (GRCh38, 1-based): chr3:10,149,954, A>T. VCF-style: chr3-10149954-A-T. GRCh37 (hg19) VCF-style: chr3-10191638-A-T.
Other names: c.*185A>T (NM_001354723.2); c.508A>T, p.Met170Leu (NM_198156.3); short protein forms M170L, M211L.
Identifiers: ClinVar variation 1752824 (VCV001752824.2), dbSNP rs200019083, ClinGen allele CA351756697.